The following is an entry in ClinVar:

NM_006734.4(HIVEP2):c.4654C>T (p.Pro1552Ser)

Gene: HIVEP2 (HIVEP zinc finger 2; minus strand). Cytogenetic location: 6q24.2.
Variant type: single nucleotide variant.
Coding change: c.4654C>T on transcript NM_006734.4 (MANE Select); coding-DNA position 4654, C replaced by T.
Protein change: p.Pro1552Ser; replaces proline 1552 with serine.
Molecular consequence: missense variant.
Genome position (GRCh38, 1-based): chr6:142,770,085, G>A on the plus strand (C>T on the coding strand, the complement: HIVEP2 is on the minus strand). VCF-style: chr6-142770085-G-A. GRCh37 (hg19) VCF-style: chr6-143091222-G-A.
Other names: short protein forms P1552S.
Identifiers: ClinVar variation 1050386 (VCV001050386.11), dbSNP rs181273304, ClinGen allele CA4028032.

ClinVar aggregate classification (germline): Benign/Likely benign. Review status: criteria provided, multiple submitters, no conflicts (2 of 4 stars). 4 submissions from 4 submitters: Benign (1); Likely benign (1). 2 of the submissions do not count toward it. Last evaluated 2025-12-17.

Conditions:
HIVEP2-related disorder. Also called: HIVEP2-related condition.

Allele frequency attached by ClinVar (database versions not stated): gnomAD exomes 0.00044; ExAC 0.00049; 1000 Genomes Project 30x 0.00141; gnomAD 0.00162 and 0.00175; 1000 Genomes Project 0.00180; TOPMed 0.00189; ESP Exome Variant Server 0.00199.
gnomAD v4.1: 493 of 1,614,226 alleles (0.031%); highest among the groups gnomAD compares: African/African-American, 0.56%; 3 homozygotes.

Submissions (4):

Labcorp Genetics (formerly Invitae), Labcorp
Classification: Benign. Last evaluated: 2025-12-17. Review status: criteria provided, single submitter. Criteria: Invitae Variant Classification Sherloc (09022015). Collection method: clinical testing. Allele origin: germline.

Genetic Services Laboratory, University of Chicago
Classification: Likely benign. Last evaluated: 2020-05-28. Review status: criteria provided, single submitter. Criteria: ACMG Guidelines, 2015. Collection method: clinical testing. Allele origin: germline. Affected: no.

PreventionGenetics, part of Exact Sciences
Classification: Benign for HIVEP2-related condition. Last evaluated: 2024-01-02. Review status: no assertion criteria provided. Collection method: clinical testing. Allele origin: germline. Not counted in ClinVar's aggregate classification.
Comment: This variant is classified as benign based on ACMG/AMP sequence variant interpretation guidelines (Richards et al. 2015 PMID: 25741868, with internal and published modifications).

Department of Pathology and Laboratory Medicine, Sinai Health System
Classification: Benign. Review status: no assertion criteria provided. Collection method: clinical testing. Allele origin: unknown. Affected: yes. Study: The Canadian Open Genetics Repository (COGR). Not counted in ClinVar's aggregate classification.
Comment: The HIVEP2 p.Pro1552Ser variant was not identified in the literature nor was it identified in ClinVar, Cosmic or LOVD 3.0. The variant was identified in dbSNP (ID: rs181273304) and in control databases in 168 of 280952 chromosomes (1 homozygous) at a frequency of 0.000598 increasing the likelihood this could be a low frequency benign variant (Genome Aggregation Database Feb 27, 2017). The variant was observed in the following populations: African in 150 of 24196 chromosomes (freq: 0.006199), Other in 4 of 7144 chromosomes (freq: 0.00056), Latino in 11 of 35374 chromosomes (freq: 0.000311) and European (non-Finnish) in 3 of 128704 chromosomes (freq: 0.000023); it was not observed in the Ashkenazi Jewish, East Asian, European (Finnish) or South Asian populations. The p.Pro1552 residue is not conserved in mammals and four out of five computational analyses (PolyPhen-2, SIFT, AlignGVGD, MutationTaster) do not suggest a high likelihood of impact to the protein; however, this information is not predictive enough to rule out pathogenicity. The variant occurs outside of the splicing consensus sequence and in silico or computational prediction software programs (SpliceSiteFinder, MaxEntScan, NNSPLICE, GeneSplicer) do not predict a difference in splicing. In summary, based on the above information this variant meets our laboratory's criteria to be classified as benign.